The following is an entry in ClinVar:

NM_000059.4(BRCA2):c.4312_4313dup (p.Ala1439fs)

Gene: BRCA2 (BRCA2 DNA repair associated; plus strand). Cytogenetic location: 13q13.1.
Variant type: Microsatellite.
Coding change: c.4312_4313dup on transcript NM_000059.4 (MANE Select); coding-DNA positions 4312 to 4313, 2 bases duplicated (GT; older notation c.4312_4313dupGT).
Protein change: p.Ala1439fs; shifts the reading frame from alanine 1439.
Molecular consequence: frameshift variant.
Genome position (GRCh38, 1-based): chr13:32,338,667-32,338,668, GT duplicated; duplicating any 2 consecutive bases within chr13:32,338,665-32,338,668 gives the same sequence; the c. name uses the placement nearest the transcript's 3' end. VCF-style (leftmost placement, unchanged base first): chr13-32338664-A-AGT. GRCh37 (hg19) VCF-style: chr13-32912801-A-AGT.
Other names: c.4312_4313dupGT (NM_000059.3, NM_000059.4); short protein forms A1439fs.
Identifiers: ClinVar variation 419879 (VCV000419879.12), dbSNP rs1064794168, ClinGen allele CA16619705.
Genomic context (GRCh38, chr13:32,338,664, plus strand): 5'-AATATAAAAGATTTTGAGACTTCTGATACATTTTTTCAGACTGCAAGTGGGAAAAATATT[A>AGT]GTGTCGCCAAAGAGTCATTTAATAAAATTGTAAATTTCTTTGATCAGAAACCAGAAGAAT-3'

ClinVar aggregate classification (germline): Pathogenic. Review status: reviewed by expert panel (3 of 4 stars). 6 submissions from 6 submitters: Pathogenic (1). 5 of the submissions do not count toward it. Last evaluated 2017-12-15.

Conditions:
Hereditary cancer-predisposing syndrome. Also called: Hereditary neoplastic syndrome; Hereditary Cancer Syndrome; Neoplastic Syndromes, Hereditary; Tumor predisposition. Identifiers: Orphanet 140162, MedGen C0027672, MeSH D009386, MONDO:0015356.
Breast-ovarian cancer, familial, susceptibility to, 2 (BROVCA2). Also called: BRCA2 Hereditary Breast and Ovarian Cancer. Identifiers: Orphanet 145, MedGen C2675520, MONDO:0012933, OMIM 612555. Disease mechanism: loss of function.
Hereditary breast ovarian cancer syndrome. Also called: Hereditary breast and ovarian cancer syndrome; BRCA1- and BRCA2-Associated Hereditary Breast and Ovarian Cancer; Hereditary breast and/or ovarian cancer syndrome; Hereditary breast and ovarian cancer; Breast and ovarian cancer; Hereditary breast and ovarian cancer syndrome (HBOC). Identifiers: Orphanet 145, MedGen C0677776, MeSH D061325, MONDO:0003582. Disease mechanism: loss of function.

Submissions (6):

Evidence-based Network for the Interpretation of Germline Mutant Alleles (ENIGMA)
Classification: Pathogenic for Breast-ovarian cancer, familial, susceptibility to, 2. Last evaluated: 2017-12-15. Review status: reviewed by expert panel. Criteria: ENIGMA BRCA1/2 Classification Criteria (2017-06-29). Collection method: curation. Allele origin: germline. Study: ENIGMA.
Comment: Variant allele predicted to encode a truncated non-functional protein.

Women's Health and Genetics/Laboratory Corporation of America, LabCorp
Classification: Pathogenic for Hereditary breast ovarian cancer syndrome. Last evaluated: 2024-11-18. Review status: criteria provided, single submitter. Criteria: LabCorp Variant Classification Summary - May 2015. Collection method: clinical testing. Allele origin: germline. Not counted in ClinVar's aggregate classification.
Comment: Variant summary: BRCA2 c.4312_4313dupGT (p.Ala1439SerfsX10) results in a premature termination codon, predicted to cause absence of the protein due to nonsense mediated decay, which is a commonly known mechanism for disease. The variant was absent in 243748 control chromosomes. To our knowledge, no occurrence of c.4312_4313dupGT in individuals affected with Hereditary Breast And Ovarian Cancer Syndrome and no experimental evidence demonstrating its impact on protein function have been reported. ClinVar contains an entry for this variant (Variation ID: 419879). Based on the evidence outlined above, the variant was classified as pathogenic.

Ambry Genetics
Classification: Pathogenic for Hereditary cancer-predisposing syndrome. Last evaluated: 2024-04-23. Review status: criteria provided, single submitter. Criteria: Ambry Variant Classification Scheme 2023. Collection method: clinical testing. Allele origin: germline. Not counted in ClinVar's aggregate classification.
Comment: The c.4312_4313dupGT pathogenic mutation, located in coding exon 10 of the BRCA2 gene, results from a duplication of GT at nucleotide position 4312, causing a translational frameshift with a predicted alternate stop codon (p.A1439Sfs*10). This alteration is expected to result in loss of function by premature protein truncation or nonsense-mediated mRNA decay. As such, this alteration is interpreted as a disease-causing mutation.

Labcorp Genetics (formerly Invitae), Labcorp
Classification: Pathogenic for Hereditary breast ovarian cancer syndrome. Last evaluated: 2023-05-19. Review status: criteria provided, single submitter. Criteria: Invitae Variant Classification Sherloc (09022015). Collection method: clinical testing. Allele origin: germline. Not counted in ClinVar's aggregate classification.
Comment: For these reasons, this variant has been classified as Pathogenic. ClinVar contains an entry for this variant (Variation ID: 419879). This variant has not been reported in the literature in individuals affected with BRCA2-related conditions. This variant is not present in population databases (gnomAD no frequency). This sequence change creates a premature translational stop signal (p.Ala1439Serfs*10) in the BRCA2 gene. It is expected to result in an absent or disrupted protein product. Loss-of-function variants in BRCA2 are known to be pathogenic (PMID: 20104584).

Color Diagnostics, LLC DBA Color Health
Classification: Pathogenic for Hereditary cancer-predisposing syndrome. Last evaluated: 2020-07-27. Review status: criteria provided, single submitter. Criteria: ACMG Guidelines, 2015. Collection method: clinical testing. Allele origin: germline. Not counted in ClinVar's aggregate classification.
Comment: This variant inserts 2 nucleotides in exon 11 of the BRCA2 gene, creating a frameshift and premature translation stop signal. This variant is expected to result in an absent or non-functional protein product. To our knowledge, this variant has not been reported in individuals affected with hereditary cancer in the literature. This variant has not been identified in the general population by the Genome Aggregation Database (gnomAD). Loss of BRCA2 function is a known mechanism of disease. Based on the available evidence, this variant is classified as Pathogenic.

GeneDx
Classification: Pathogenic. Last evaluated: 2015-09-22. Review status: criteria provided, single submitter. Criteria: GeneDx Variant Classification (06012015). Collection method: clinical testing. Allele origin: germline. Affected: yes. Not counted in ClinVar's aggregate classification.
Comment: This duplication of 2 nucleotides in BRCA2 is denoted c.4312_4313dupGT at the cDNA level and p.Ala1439SerfsX10 (A1439SfsX10) at the protein level. The normal sequence, with the bases that are duplicated in braces, is TAGT[GT]CGCC. The duplication causes a frameshift, which changes an Alanine to a Serine at codon 1439, and creates a premature stop codon at position 10 of the new reading frame. Although this variant has not, to our knowledge, been reported in the literature, it is predicted to cause loss of normal protein function through either protein truncation or nonsense-mediated mRNA decay. we consider this variant to be pathogenic.

Literature cited by the submitters: PubMed 20104584 (cited by Labcorp Genetics (formerly Invitae), Labcorp).